The following is an entry in ClinVar:

ClinVar aggregate classification (germline): Uncertain significance (1 of 4 stars; one submission).

gnomAD v4.1: 3 of 1,614,110 alleles (0.00019%); highest among the groups gnomAD compares: African/African-American, 0.0013%; no homozygotes.

Submission:

Labcorp Genetics (formerly Invitae), Labcorp
Classification: Uncertain significance. Last evaluated: 2022-10-29. Review status: criteria provided, single submitter. Criteria: Invitae Variant Classification Sherloc (09022015). Collection method: clinical testing. Allele origin: germline.
Comment: Advanced modeling of protein sequence and biophysical properties (such as structural, functional, and spatial information, amino acid conservation, physicochemical variation, residue mobility, and thermodynamic stability) performed at Invitae indicates that this missense variant is not expected to disrupt TAB2 protein function. In summary, the available evidence is currently insufficient to determine the role of this variant in disease. Therefore, it has been classified as a Variant of Uncertain Significance. This variant has not been reported in the literature in individuals affected with TAB2-related conditions. This variant is not present in population databases (gnomAD no frequency). This sequence change replaces arginine, which is basic and polar, with glutamine, which is neutral and polar, at codon 452 of the TAB2 protein (p.Arg452Gln).

NM_001292034.3(TAB2):c.1355G>A (p.Arg452Gln)

Genes: TAB2 (TGF-beta activated kinase 1 (MAP3K7) binding protein 2; plus strand), LOC126859827 (BRD4-independent group 4 enhancer GRCh37_chr6:149699707-149700906; plus strand). Cytogenetic location: 6q25.1.
Variant type: single nucleotide variant.
Coding change: c.1355G>A on transcript NM_001292034.3 (MANE Select); coding-DNA position 1355, G replaced by A.
Protein change: p.Arg452Gln; replaces arginine 452 with glutamine.
Molecular consequence: missense variant.
Genome position (GRCh38, 1-based): chr6:149,379,270, G>A. VCF-style: chr6-149379270-G-A. GRCh37 (hg19) VCF-style: chr6-149700406-G-A.
Other names: c.1259G>A, p.Arg420Gln (NM_001292035.3); c.1355G>A, p.Arg452Gln (NM_001369506.1, NM_015093.6); short protein forms R452Q, R420Q.
Identifiers: ClinVar variation 1956929 (VCV001956929.5), dbSNP rs566536534, ClinGen allele CA365999117.
Genomic context (GRCh38, chr6:149,379,270, plus strand): 5'-TTATTCATCACCATCCTCCCAAAAGTCGAGCAATAGGCAATAACTCTGCAACCTCTCCTC[G>A]AGTGGTAGTCACTCAGCCCAATACGAAATACACTTTCAAAATTACAGTCTCTCCCAATAA-3'
Protein context (NP_001278963.1, residues 442-462): AIGNNSATSP[Arg452Gln]VVVTQPNTKY